The following is an entry in ClinVar:

ClinVar aggregate classification (germline): Uncertain significance. Review status: criteria provided, multiple submitters, no conflicts (2 of 4 stars). 3 submissions from 3 submitters: Uncertain significance (3). Last evaluated 2026-06-16.

Conditions:
Hereditary cancer-predisposing syndrome. Also called: Neoplastic Syndromes, Hereditary; Hereditary Cancer Syndrome; Tumor predisposition; Hereditary neoplastic syndrome. Identifiers: Orphanet 140162, MedGen C0027672, MeSH D009386, MONDO:0015356.
Neuroblastoma, susceptibility to, 3. Also called: ALK-Related Neuroblastic Tumor Susceptibility. Identifiers: Orphanet 635, MedGen C2751681, MONDO:0013083, OMIM 613014.

Allele frequency attached by ClinVar (database versions not stated): ExAC 0.00001; gnomAD exomes 0.00001; TOPMed 0.00001.
gnomAD v4.1: 3 of 1,613,982 alleles (0.00019%); highest among the groups gnomAD compares: Admixed American, 0.005%; no homozygotes.

Submissions (3):

Ambry Genetics
Classification: Uncertain significance for Hereditary cancer-predisposing syndrome. Last evaluated: 2026-06-16. Review status: criteria provided, single submitter. Criteria: Ambry Variant Classification Scheme 2023. Collection method: clinical testing. Allele origin: germline.
Comment: The p.N244Y variant (also known as c.730A>T), located in coding exon 2 of the ALK gene, results from an A to T substitution at nucleotide position 730. The asparagine at codon 244 is replaced by tyrosine, an amino acid with dissimilar properties. This amino acid position is conserved. In addition, the in silico prediction for this alteration is inconclusive. Based on the available evidence, the clinical significance of this variant remains unclear.

St. Jude Molecular Pathology, St. Jude Children's Research Hospital
Classification: Uncertain significance for Neuroblastoma, susceptibility to, 3. Last evaluated: 2025-06-17. Review status: criteria provided, single submitter. Criteria: St. Jude Assertion Criteria 2020. Collection method: clinical testing. Allele origin: germline.
Comment: The ALK c.730A>T (p.Asn244Tyr) missense change has a maximum subpopulation frequency of 0.0086% in gnomAD v2.1.1. The in silico tool REVEL predicts a benign effect on protein function, but t o our knowledge this prediction has not been confirmed by functional studies. To our knowledge, this variant has not been reported in the literature in individuals with ALK-related neuroblastic tumor susceptibility. In summary, the evidence currently available is insufficient to determine the clinical significance of this variant. It has therefore been classified as of uncertain significance.

Labcorp Genetics (formerly Invitae), Labcorp
Classification: Uncertain significance for Neuroblastoma, susceptibility to, 3. Last evaluated: 2024-10-08. Review status: criteria provided, single submitter. Criteria: Invitae Variant Classification Sherloc (09022015). Collection method: clinical testing. Allele origin: germline.
Comment: This sequence change replaces asparagine, which is neutral and polar, with tyrosine, which is neutral and polar, at codon 244 of the ALK protein (p.Asn244Tyr). This variant is present in population databases (rs753646573, gnomAD 0.006%). This variant has not been reported in the literature in individuals affected with ALK-related conditions. ClinVar contains an entry for this variant (Variation ID: 404332). An algorithm developed to predict the effect of missense changes on protein structure and function (PolyPhen-2) suggests that this variant is likely to be disruptive. In summary, the available evidence is currently insufficient to determine the role of this variant in disease. Therefore, it has been classified as a Variant of Uncertain Significance.

NM_004304.5(ALK):c.730A>T (p.Asn244Tyr)

Gene: ALK (ALK receptor tyrosine kinase; minus strand). Cytogenetic location: 2p23.2.
Variant type: single nucleotide variant.
Coding change: c.730A>T on transcript NM_004304.5 (MANE Select); coding-DNA position 730, A replaced by T.
Protein change: p.Asn244Tyr; replaces asparagine 244 with tyrosine.
Molecular consequence: missense variant.
Genome position (GRCh38, 1-based): chr2:29,717,635, T>A on the plus strand (A>T on the coding strand, the complement: ALK is on the minus strand). VCF-style: chr2-29717635-T-A. GRCh37 (hg19) VCF-style: chr2-29940501-T-A.
Other names: short protein forms N244Y.
Identifiers: ClinVar variation 404332 (VCV000404332.14), dbSNP rs753646573, ClinGen allele CA1594885.